The following is an entry in ClinVar:

ClinVar aggregate classification (germline): Conflicting classifications of pathogenicity. Review status: criteria provided, conflicting classifications (1 of 4 stars). 4 submissions from 4 submitters: Uncertain significance (3); Likely benign (1). Last evaluated 2023-03-01.

Conditions:
Emery-Dreifuss muscular dystrophy 4, autosomal dominant (EDMD4). Also called: EMERY-DREIFUSS MUSCULAR DYSTROPHY 4 WITH VARIABLE FEATURES. Identifiers: Orphanet 261, MedGen C2751807, MONDO:0013071, OMIM 612998.
Autosomal recessive ataxia, Beauce type. Also called: SYNE1 Deficiency; SYNE1-Related Autosomal Recessive Cerebellar Ataxia; ATAXIA, RECESSIVE, OF BEAUCE; Spinocerebellar ataxia, autosomal recessive 8. Identifiers: Orphanet 88644, MedGen C1853116, MONDO:0012549, OMIM 610743.

Allele frequency attached by ClinVar (database versions not stated): gnomAD 0.00002; TOPMed 0.00002; gnomAD exomes 0.00006; ExAC 0.00007; ESP Exome Variant Server 0.00008.
gnomAD v4.1: 48 of 1,614,024 alleles (0.003%); highest among the groups gnomAD compares: Admixed American, 0.0067%; no homozygotes.

Submissions (4):

CeGaT Center for Human Genetics Tuebingen
Classification: Likely benign. Last evaluated: 2023-03-01. Review status: criteria provided, single submitter. Criteria: CeGaT Center For Human Genetics Tuebingen Variant Classification Criteria Version 2. Collection method: clinical testing. Allele origin: germline. Affected: yes. Observed: 1 variant allele.
Comment: SYNE1: BP4

Labcorp Genetics (formerly Invitae), Labcorp
Classification: Uncertain significance for Emery-Dreifuss muscular dystrophy 4, autosomal dominant; Autosomal recessive ataxia, Beauce type. Last evaluated: 2022-07-05. Review status: criteria provided, single submitter. Criteria: Invitae Variant Classification Sherloc (09022015). Collection method: clinical testing. Allele origin: germline.
Comment: ClinVar contains an entry for this variant (Variation ID: 290590). In summary, the available evidence is currently insufficient to determine the role of this variant in disease. Therefore, it has been classified as a Variant of Uncertain Significance. Algorithms developed to predict the effect of missense changes on protein structure and function output the following: SIFT: "Tolerated"; PolyPhen-2: "Benign"; Align-GVGD: "Class C0". The glutamine amino acid residue is found in multiple mammalian species, which suggests that this missense change does not adversely affect protein function. This variant has not been reported in the literature in individuals affected with SYNE1-related conditions. This variant is present in population databases (rs150604289, gnomAD 0.01%). This sequence change replaces arginine, which is basic and polar, with glutamine, which is neutral and polar, at codon 5447 of the SYNE1 protein (p.Arg5447Gln).

Athena Diagnostics
Classification: Uncertain significance. Last evaluated: 2021-02-05. Review status: criteria provided, single submitter. Criteria: Athena Diagnostics criteria. Collection method: clinical testing. Allele origin: unknown.

Eurofins Ntd Llc (ga)
Classification: Uncertain significance. Last evaluated: 2016-09-15. Review status: criteria provided, single submitter. Criteria: EGL Classification Definitions 2015. Collection method: clinical testing. Allele origin: germline. Observed: 1 variant allele, 1 heterozygote.

NM_182961.4(SYNE1):c.16553G>A (p.Arg5518Gln)

Gene: SYNE1 (spectrin repeat containing nuclear envelope protein 1; minus strand). Cytogenetic location: 6q25.2.
Variant type: single nucleotide variant.
Coding change: c.16553G>A on transcript NM_182961.4 (MANE Select); coding-DNA position 16553, G replaced by A.
Protein change: p.Arg5518Gln; replaces arginine 5518 with glutamine.
Molecular consequence: missense variant.
Genome position (GRCh38, 1-based): chr6:152,318,100, C>T on the plus strand (G>A on the coding strand, the complement: SYNE1 is on the minus strand). VCF-style: chr6-152318100-C-T. GRCh37 (hg19) VCF-style: chr6-152639235-C-T.
Other names: c.16553G>A (NM_182961.2); c.16340G>A, p.Arg5447Gln (NM_033071.5); short protein forms R5518Q, R5447Q.
Identifiers: ClinVar variation 290590 (VCV000290590.42), dbSNP rs150604289, ClinGen allele CA4055495.